The following is an entry in ClinVar:

ClinVar aggregate classification (germline): Conflicting classifications of pathogenicity. Review status: criteria provided, conflicting classifications (1 of 4 stars). 2 submissions from 2 submitters: Likely pathogenic (1); Uncertain significance (1). Last evaluated 2023-02-23.

Conditions:
Chédiak-Higashi syndrome (CHS). Also called: Chediak-Higashi Syndrome. Identifiers: Orphanet 167, MedGen C0007965, MONDO:0008963, OMIM 214500.

Submissions (2):

3billion
Classification: Uncertain significance for Chédiak-Higashi syndrome. Last evaluated: 2023-02-23. Review status: criteria provided, single submitter. Criteria: ACMG Guidelines, 2015. Collection method: clinical testing. Allele origin: unknown. Affected: yes.
Comment: The splice-region variant is not observed in the gnomAD v2.1.1 dataset. In silico tools predict the variant to alter splicing and produce an abnormal transcript (SpliceAI: 0.96). Therefore, this variant is classified as VUS according to the recommendation of ACMG/AMP guideline.

Labcorp Genetics (formerly Invitae), Labcorp
Classification: Likely pathogenic for Chédiak-Higashi syndrome. Last evaluated: 2022-11-21. Review status: criteria provided, single submitter. Criteria: Invitae Variant Classification Sherloc (09022015). Collection method: clinical testing. Allele origin: germline.
Comment: In summary, the currently available evidence indicates that the variant is pathogenic, but additional data are needed to prove that conclusively. Therefore, this variant has been classified as Likely Pathogenic. Variants that disrupt the consensus splice site are a relatively common cause of aberrant splicing (PMID: 17576681, 9536098). Algorithms developed to predict the effect of sequence changes on RNA splicing suggest that this variant may disrupt the consensus splice site. This variant has been observed in individual(s) with clinical features of Chediak-Higashi syndrome (Invitae). In at least one individual the data is consistent with being in trans (on the opposite chromosome) from a pathogenic variant. This variant is not present in population databases (gnomAD no frequency). This sequence change falls in intron 26 of the LYST gene. It does not directly change the encoded amino acid sequence of the LYST protein. It affects a nucleotide within the consensus splice site.

Literature cited by the submitters: PubMed 17576681 (cited by Labcorp Genetics (formerly Invitae), Labcorp); PubMed 9536098 (cited by Labcorp Genetics (formerly Invitae), Labcorp).

NM_000081.4(LYST):c.7460+3_7460+6del

Gene: LYST (lysosomal trafficking regulator; minus strand). Cytogenetic location: 1q42.3.
Variant type: Microsatellite.
Coding change: c.7460+3_7460+6del on transcript NM_000081.4 (MANE Select); bases 3 to 6 of the intron after coding-DNA position 7460, 4 bases deleted (AAGT; older notation c.7460+3_7460+6delAAGT).
Molecular consequence: splice donor variant.
Genome position (GRCh38, 1-based): chr1:235,753,038-235,753,041, ACTT deleted on the plus strand (AAGT on the coding strand, the reverse complement: LYST is on the minus strand); deleting any 4 consecutive bases within chr1:235,753,038-235,753,045 gives the same sequence; the c. name uses the placement nearest the transcript's 3' end. VCF-style (leftmost placement, unchanged base first): chr1-235753037-AACTT-A. GRCh37 (hg19) VCF-style: chr1-235916337-AACTT-A.
Other names: c.7460+3_7460+6del (NM_001301365.1).
Identifiers: ClinVar variation 2102715 (VCV002102715.5), dbSNP rs2527732015, ClinGen allele CA2580611565.